The following is an entry in ClinVar:

NM_000052.7(ATP7A):c.3086G>T (p.Gly1029Val)

Gene: ATP7A (ATPase copper transporting alpha; plus strand). Cytogenetic location: Xq21.1.
Variant type: single nucleotide variant.
Coding change: c.3086G>T on transcript NM_000052.7 (MANE Select); coding-DNA position 3086, G replaced by T.
Protein change: p.Gly1029Val; replaces glycine 1029 with valine.
Molecular consequence: missense variant.
Genome position (GRCh38, 1-based): chrX:78,029,419, G>T. VCF-style: chrX-78029419-G-T. GRCh37 (hg19) VCF-style: chrX-77284916-G-T.
Other names: c.2852G>T, p.Gly951Val (NM_001282224.2); short protein forms G1029V, G951V.
Identifiers: ClinVar variation 3900499 (VCV003900499.2).

ClinVar aggregate classification (germline): Uncertain significance (1 of 4 stars; one submission).

Submission:

GeneDx
Classification: Uncertain significance. Last evaluated: 2026-08-10. Review status: criteria provided, single submitter. Criteria: GeneDx Variant Classification Process June 2021. Collection method: clinical testing. Allele origin: germline.
Comment: Not observed at significant frequency in large population cohorts (gnomAD); In silico analysis supports that this missense variant has a deleterious effect on protein structure/function; Has not been previously published as pathogenic or benign to our knowledge